The following is an entry in ClinVar:

NM_003072.5(SMARCA4):c.1142G>A (p.Arg381Gln)

Gene: SMARCA4 (SWI/SNF related BAF chromatin remodeling complex subunit ATPase 4; plus strand). Cytogenetic location: 19p13.2.
Variant type: single nucleotide variant.
Coding change: c.1142G>A on transcript NM_003072.5 (MANE Select); coding-DNA position 1142, G replaced by A.
Protein change: p.Arg381Gln; replaces arginine 381 with glutamine.
Molecular consequence: missense variant. On other transcripts: non-coding transcript variant (1).
Genome position (GRCh38, 1-based): chr19:10,989,340, G>A. VCF-style: chr19-10989340-G-A. GRCh37 (hg19) VCF-style: chr19-11100016-G-A.
Other names: c.1142G>A, p.Arg381Gln (NM_001128844.3, NM_001128845.2, NM_001128846.2 and 5 more transcripts); short protein forms R381Q.
Identifiers: ClinVar variation 470231 (VCV000470231.15), dbSNP rs749059769, ClinGen allele CA9203707.

ClinVar aggregate classification (germline): Uncertain significance. Review status: criteria provided, multiple submitters, no conflicts (2 of 4 stars). 3 submissions from 3 submitters: Uncertain significance (3). Last evaluated 2025-07-29.

Conditions:
Rhabdoid tumor predisposition syndrome 2 (RTPS2). Identifiers: Orphanet 231108, Orphanet 69077, MedGen C2750074, MONDO:0013224, OMIM 613325.
Intellectual disability, autosomal dominant 16 (CSS4). Also called: COFFIN-SIRIS SYNDROME 4. Identifiers: Orphanet 1465, MedGen C3553249, MONDO:0013821, OMIM 614609.
Hereditary cancer-predisposing syndrome. Also called: Hereditary neoplastic syndrome; Neoplastic Syndromes, Hereditary; Tumor predisposition; Hereditary Cancer Syndrome. Identifiers: Orphanet 140162, MedGen C0027672, MeSH D009386, MONDO:0015356.

Allele frequency attached by ClinVar (database versions not stated): gnomAD exomes below 0.00001; ExAC 0.00001.

Submissions (3):

Labcorp Genetics (formerly Invitae), Labcorp
Classification: Uncertain significance for Rhabdoid tumor predisposition syndrome 2. Last evaluated: 2025-07-29. Review status: criteria provided, single submitter. Criteria: Invitae Variant Classification Sherloc (09022015). Collection method: clinical testing. Allele origin: germline.
Comment: This sequence change replaces arginine, which is basic and polar, with glutamine, which is neutral and polar, at codon 381 of the SMARCA4 protein (p.Arg381Gln). This variant is present in population databases (rs749059769, gnomAD 0.004%). This variant has not been reported in the literature in individuals affected with SMARCA4-related conditions. ClinVar contains an entry for this variant (Variation ID: 470231). Invitae Evidence Modeling of protein sequence and biophysical properties (such as structural, functional, and spatial information, amino acid conservation, physicochemical variation, residue mobility, and thermodynamic stability) indicates that this missense variant is expected to disrupt SMARCA4 protein function with a positive predictive value of 95%. In summary, the available evidence is currently insufficient to determine the role of this variant in disease. Therefore, it has been classified as a Variant of Uncertain Significance.

Genome-Nilou Lab
Classification: Uncertain significance for Intellectual disability, autosomal dominant 16. Last evaluated: 2021-07-15. Review status: criteria provided, single submitter. Criteria: ACMG Guidelines, 2015. Collection method: clinical testing. Allele origin: germline. Affected: no.

Ambry Genetics
Classification: Uncertain significance for Hereditary cancer-predisposing syndrome. Last evaluated: 2017-12-22. Review status: criteria provided, single submitter. Criteria: Ambry Variant Classification Scheme 2023. Collection method: clinical testing. Allele origin: germline.
Comment: The p.R381Q variant (also known as c.1142G>A), located in coding exon 6 of the SMARCA4 gene, results from a G to A substitution at nucleotide position 1142. The arginine at codon 381 is replaced by glutamine, an amino acid with highly similar properties. This amino acid position is highly conserved in available vertebrate species. In addition, this alteration is predicted to be deleterious by in silico analysis. Since supporting evidence is limited at this time, the clinical significance of this alteration remains unclear.